The following is an entry in ClinVar:

NM_004519.4(KCNQ3):c.282C>G (p.Ser94Arg)

Gene: KCNQ3 (potassium voltage-gated channel subfamily Q member 3; minus strand). Cytogenetic location: 8q24.22.
Variant type: single nucleotide variant.
Coding change: c.282C>G on transcript NM_004519.4 (MANE Select); coding-DNA position 282, C replaced by G.
Protein change: p.Ser94Arg; replaces serine 94 with arginine.
Molecular consequence: missense variant.
Genome position (GRCh38, 1-based): chr8:132,480,251, G>C on the plus strand (C>G on the coding strand, the complement: KCNQ3 is on the minus strand). VCF-style: chr8-132480251-G-C. GRCh37 (hg19) VCF-style: chr8-133492498-G-C.
Other names: short protein forms S94R.
Identifiers: ClinVar variation 910649 (VCV000910649.9), dbSNP rs200519334, ClinGen allele CA4880982.

ClinVar aggregate classification (germline): Uncertain significance. Review status: criteria provided, multiple submitters, no conflicts (2 of 4 stars). 3 submissions from 3 submitters: Uncertain significance (3). Last evaluated 2025-12-22.

Conditions:
Benign neonatal seizures. Also called: Benign neonatal familial convulsions; Benign familial neonatal seizures; Convulsions benign familial neonatal dominant form; Autosomal dominant form of benign neonatal seizures; Benign familial neonatal epilepsy. Identifiers: Orphanet 1949, MedGen C0220669, MONDO:0016027.
Seizures, benign familial neonatal, 2. Also called: Benign Neonatal Epilepsy 2; CONVULSIONS, BENIGN FAMILIAL NEONATAL, 2; KCNQ3-Related Benign Familial Neonatal Epilepsy; KCNQ3-Related Self-Limited Familial Neonatal Epilepsy (SLFNE); Seizures, benign neonatal, 2. Identifiers: Orphanet 1949, MedGen C1852581, MONDO:0007366, OMIM 121201.
Inborn genetic diseases. Identifiers: MedGen C0950123, MeSH D030342.

Allele frequency attached by ClinVar (database versions not stated): ExAC 0.00001; gnomAD 0.00001.
gnomAD v4.1: 47 of 1,612,598 alleles (0.0029%); highest among the groups gnomAD compares: Non-Finnish European, 0.004%; no homozygotes.

Submissions (3):

Labcorp Genetics (formerly Invitae), Labcorp
Classification: Uncertain significance for Benign neonatal seizures. Last evaluated: 2025-12-22. Review status: criteria provided, single submitter. Criteria: Invitae Variant Classification Sherloc (09022015). Collection method: clinical testing. Allele origin: germline.
Comment: This sequence change replaces serine, which is neutral and polar, with arginine, which is basic and polar, at codon 94 of the KCNQ3 protein (p.Ser94Arg). This variant is present in population databases (rs200519334, gnomAD 0.003%). This variant has not been reported in the literature in individuals affected with KCNQ3-related conditions. ClinVar contains an entry for this variant (Variation ID: 910649). Invitae Evidence Modeling of protein sequence and biophysical properties (such as structural, functional, and spatial information, amino acid conservation, physicochemical variation, residue mobility, and thermodynamic stability) indicates that this missense variant is not expected to disrupt KCNQ3 protein function with a negative predictive value of 80%. In summary, the available evidence is currently insufficient to determine the role of this variant in disease. Therefore, it has been classified as a Variant of Uncertain Significance.

Ambry Genetics
Classification: Uncertain significance for Inborn genetic diseases. Last evaluated: 2025-09-27. Review status: criteria provided, single submitter. Criteria: Ambry Variant Classification Scheme 2023. Collection method: clinical testing. Allele origin: germline.

Illumina Laboratory Services, Illumina
Classification: Uncertain significance for Seizures, benign familial neonatal, 2. Last evaluated: 2018-01-13. Review status: criteria provided, single submitter. Criteria: ICSL Variant Classification Criteria 13 December 2019. Collection method: clinical testing. Allele origin: germline.